The following is an entry in ClinVar:

ClinVar aggregate classification (germline): Uncertain significance (1 of 4 stars; one submission).

Submission:

GeneDx
Classification: Uncertain significance. Last evaluated: 2026-10-14. Review status: criteria provided, single submitter. Criteria: GeneDx Variant Classification Process June 2021. Collection method: clinical testing. Allele origin: germline.
Comment: Not observed at significant frequency in large population cohorts (gnomAD); In silico analysis supports that this missense variant has a deleterious effect on protein structure/function; Has not been previously published as pathogenic or benign to our knowledge

NM_001020658.2(PUM1):c.646G>A (p.Gly216Arg)

Gene: PUM1 (pumilio RNA binding family member 1; minus strand). Cytogenetic location: 1p35.2.
Variant type: single nucleotide variant.
Coding change: c.646G>A on transcript NM_001020658.2 (MANE Select); coding-DNA position 646, G replaced by A.
Protein change: p.Gly216Arg; replaces glycine 216 with arginine.
Molecular consequence: missense variant.
Genome position (GRCh38, 1-based): chr1:31,005,927, C>T on the plus strand (G>A on the coding strand, the complement: PUM1 is on the minus strand). VCF-style: chr1-31005927-C-T. GRCh37 (hg19) VCF-style: chr1-31478774-C-T.
Other names: c.646G>A, p.Gly216Arg (NM_014676.3); short protein forms G216R.
Identifiers: ClinVar variation 3893352 (VCV003893352.2).